The following is an entry in ClinVar:

NM_001329630.2(PLEKHA7):c.3669G>A (p.Pro1223=)

Gene: PLEKHA7 (pleckstrin homology domain containing A7; minus strand). Cytogenetic location: 11p15.2.
Variant type: single nucleotide variant.
Coding change: c.3669G>A on transcript NM_001329630.2 (MANE Select); coding-DNA position 3669, G replaced by A.
Protein change: p.Pro1223=; no amino-acid change (proline 1223 retained).
Molecular consequence: synonymous variant.
Genome position (GRCh38, 1-based): chr11:16,782,878, C>T on the plus strand (G>A on the coding strand, the complement: PLEKHA7 is on the minus strand). VCF-style: chr11-16782878-C-T. GRCh37 (hg19) VCF-style: chr11-16804425-C-T.
Other names: c.3672G>A, p.Pro1224= (NM_001410960.1).
Identifiers: ClinVar variation 3039188 (VCV003039188.2), dbSNP rs889131459, ClinGen allele CA218524252.

ClinVar aggregate classification (germline): Likely benign (0 of 4 stars; one submission).

Conditions:
PLEKHA7-related disorder. Also called: PLEKHA7-related condition.

Allele frequency attached by ClinVar (database versions not stated): gnomAD 0.00003; gnomAD exomes 0.00003; TOPMed 0.00005.
gnomAD v4.1: 50 of 1,536,010 alleles (0.0033%); highest among the groups gnomAD compares: African/African-American, 0.0041%; no homozygotes.

Submission:

PreventionGenetics, part of Exact Sciences
Classification: Likely benign for PLEKHA7-related condition. Last evaluated: 2019-05-21. Review status: no assertion criteria provided. Collection method: clinical testing. Allele origin: germline.
Comment: This variant is classified as likely benign based on ACMG/AMP sequence variant interpretation guidelines (Richards et al. 2015 PMID: 25741868, with internal and published modifications).